The following is an entry in ClinVar:

NM_000395.3(CSF2RB):c.977G>A (p.Arg326Lys)

Gene: CSF2RB (colony stimulating factor 2 receptor subunit beta; plus strand). Cytogenetic location: 22q12.3.
Variant type: single nucleotide variant.
Coding change: c.977G>A on transcript NM_000395.3 (MANE Select); coding-DNA position 977, G replaced by A.
Protein change: p.Arg326Lys; replaces arginine 326 with lysine.
Molecular consequence: missense variant.
Genome position (GRCh38, 1-based): chr22:36,930,795, G>A. VCF-style: chr22-36930795-G-A. GRCh37 (hg19) VCF-style: chr22-37326837-G-A.
Other names: short protein forms R326K.
Identifiers: ClinVar variation 999539 (VCV000999539.8), dbSNP rs752076635, ClinGen allele CA10213656.
Genomic context (GRCh38, chr22:36,930,795, plus strand): 5'-GCCAGATTCCCGTGCCCGACCCCGCGACCCACGGCCAATACATCGTCTCTGTTCAGCCAA[G>A]GAGGGCAGAGAAACACATAAAGAGCTCAGTGAACAGTGAGTTTGCTCCTAGCCCGCTGTG-3'
Protein context (NP_000386.1, residues 316-336): HGQYIVSVQP[Arg326Lys]RAEKHIKSSV

ClinVar aggregate classification (germline): Uncertain significance (1 of 4 stars; one submission).

Allele frequency attached by ClinVar (database versions not stated): gnomAD exomes 0.00001 and 0.00002; ExAC 0.00002.
gnomAD v4.1: 11 of 1,614,156 alleles (0.00068%); highest among the groups gnomAD compares: South Asian, 0.0033%; no homozygotes.

Submission:

Labcorp Genetics (formerly Invitae), Labcorp
Classification: Uncertain significance. Last evaluated: 2025-01-13. Review status: criteria provided, single submitter. Criteria: Invitae Variant Classification Sherloc (09022015). Collection method: clinical testing. Allele origin: germline.
Comment: This sequence change replaces arginine, which is basic and polar, with lysine, which is basic and polar, at codon 326 of the CSF2RB protein (p.Arg326Lys). This variant is present in population databases (rs752076635, gnomAD 0.003%). This variant has not been reported in the literature in individuals affected with CSF2RB-related conditions. ClinVar contains an entry for this variant (Variation ID: 999539). Invitae Evidence Modeling of protein sequence and biophysical properties (such as structural, functional, and spatial information, amino acid conservation, physicochemical variation, residue mobility, and thermodynamic stability) indicates that this missense variant is not expected to disrupt CSF2RB protein function with a negative predictive value of 80%. In summary, the available evidence is currently insufficient to determine the role of this variant in disease. Therefore, it has been classified as a Variant of Uncertain Significance.